The following is an entry in ClinVar:

NM_006045.3(ATP9A):c.549G>T (p.Gly183=)

Gene: ATP9A (ATPase phospholipid transporting 9A; minus strand). Cytogenetic location: 20q13.2.
Variant type: single nucleotide variant.
Coding change: c.549G>T on transcript NM_006045.3 (MANE Select); coding-DNA position 549, G replaced by T.
Protein change: p.Gly183=; no amino-acid change (glycine 183 retained).
Molecular consequence: synonymous variant.
Genome position (GRCh38, 1-based): chr20:51,694,101, C>A on the plus strand (G>T on the coding strand, the complement: ATP9A is on the minus strand). VCF-style: chr20-51694101-C-A. GRCh37 (hg19) VCF-style: chr20-50310640-C-A.
Identifiers: ClinVar variation 4681429 (VCV004681429.5).

ClinVar aggregate classification (germline): Likely benign (1 of 4 stars; one submission).

gnomAD v4.1: 4 of 1,613,978 alleles (0.00025%); highest among the groups gnomAD compares: Admixed American, 0.0033%; no homozygotes.

Submission:

CeGaT Center for Human Genetics Tuebingen
Classification: Likely benign. Last evaluated: 2025-12-01. Review status: criteria provided, single submitter. Criteria: CeGaT Center For Human Genetics Tuebingen Variant Classification Criteria Version 2. Collection method: clinical testing. Allele origin: germline. Affected: yes. Observed: 1 variant allele.
Comment: ATP9A: BP4, BP7